The following is an entry in ClinVar:

NM_152468.5(TMC8):c.859C>G (p.Gln287Glu)

Gene: TMC8 (transmembrane channel like 8; plus strand). Cytogenetic location: 17q25.3.
Variant type: single nucleotide variant.
Coding change: c.859C>G on transcript NM_152468.5 (MANE Select); coding-DNA position 859, C replaced by G.
Protein change: p.Gln287Glu; replaces glutamine 287 with glutamic acid.
Molecular consequence: missense variant.
Genome position (GRCh38, 1-based): chr17:78,134,436, C>G. VCF-style: chr17-78134436-C-G. GRCh37 (hg19) VCF-style: chr17-76130517-C-G.
Other names: short protein forms Q287E.
Identifiers: ClinVar variation 2051467 (VCV002051467.4), dbSNP rs2510788932, ClinGen allele CA401244742.
Genomic context (GRCh38, chr17:78,134,436, plus strand): 5'-CCCCACCCTTCCGGGCAGGTGGAGCTGGAGGAGGGCCGTCGCTTCCAGCTGATGCAGCAG[C>G]AGACCCGGGCCCAGACGGCCTGCCGCCTGCTCTCCTACCTGCGGGTCAACGTACTCAACG-3'
Protein context (NP_689681.2, residues 277-297): EGRRFQLMQQ[Gln287Glu]TRAQTACRLL

ClinVar aggregate classification (germline): Uncertain significance (1 of 4 stars; one submission).

Conditions:
Epidermodysplasia verruciformis. Identifiers: Orphanet 302, MedGen C0014522, MONDO:0009176.

Submission:

Labcorp Genetics (formerly Invitae), Labcorp
Classification: Uncertain significance for Epidermodysplasia verruciformis. Last evaluated: 2021-12-21. Review status: criteria provided, single submitter. Criteria: Invitae Variant Classification Sherloc (09022015). Collection method: clinical testing. Allele origin: germline.
Comment: This variant has not been reported in the literature in individuals affected with TMC8-related conditions. In summary, the available evidence is currently insufficient to determine the role of this variant in disease. Therefore, it has been classified as a Variant of Uncertain Significance. Algorithms developed to predict the effect of missense changes on protein structure and function output the following: SIFT: "Tolerated"; PolyPhen-2: "Benign"; Align-GVGD: "Class C0". The glutamic acid amino acid residue is found in multiple mammalian species, which suggests that this missense change does not adversely affect protein function. This variant is not present in population databases (gnomAD no frequency). This sequence change replaces glutamine, which is neutral and polar, with glutamic acid, which is acidic and polar, at codon 287 of the TMC8 protein (p.Gln287Glu).